The following is an entry in ClinVar:

ClinVar aggregate classification (germline): Likely benign (0 of 4 stars; one submission).

Conditions:
TJP1-related disorder. Also called: TJP1-related condition.

gnomAD v4.1: 50 of 1,589,072 alleles (0.0031%); highest among the groups gnomAD compares: Admixed American, 0.023%; no homozygotes.

Submission:

PreventionGenetics, part of Exact Sciences
Classification: Likely benign for TJP1-related condition. Last evaluated: 2020-07-28. Review status: no assertion criteria provided. Collection method: clinical testing. Allele origin: germline.
Comment: This variant is classified as likely benign based on ACMG/AMP sequence variant interpretation guidelines (Richards et al. 2015 PMID: 25741868, with internal and published modifications).

NM_001330239.4(TJP1):c.5157G>A (p.Ala1719=)

Gene: TJP1 (tight junction protein 1; minus strand). Cytogenetic location: 15q13.1.
Variant type: single nucleotide variant.
Coding change: c.5157G>A on transcript NM_001330239.4 (MANE Select); coding-DNA position 5157, G replaced by A.
Protein change: p.Ala1719=; no amino-acid change (alanine 1719 retained).
Molecular consequence: synonymous variant. On other transcripts: intron variant (3).
Genome position (GRCh38, 1-based): chr15:29,704,217, C>T on the plus strand (G>A on the coding strand, the complement: TJP1 is on the minus strand). VCF-style: chr15-29704217-C-T. GRCh37 (hg19) VCF-style: chr15-29996421-C-T.
Other names: c.5436G>A, p.Ala1812= (NM_001301025.3); c.4929G>A, p.Ala1643= (NM_001301026.2); c.5169G>A, p.Ala1723= (NM_001355013.1); c.5157G>A, p.Ala1719= (NM_001355014.2); c.4917G>A, p.Ala1639= (NM_001355015.2); c.5431+5G>A (NM_001355012.2); c.4912+5G>A (NM_175610.4); c.5152+5G>A (NM_003257.5).
Identifiers: ClinVar variation 3046397 (VCV003046397.2), dbSNP rs781101609, ClinGen allele CA7446348.